The following is an entry in ClinVar:

NM_000147.5(FUCA1):c.969+5G>C

Gene: FUCA1 (alpha-L-fucosidase 1; minus strand). Cytogenetic location: 1p36.11.
Variant type: single nucleotide variant.
Coding change: c.969+5G>C on transcript NM_000147.5 (MANE Select); 5 bases into the intron after coding-DNA position 969, G replaced by C.
Molecular consequence: intron variant.
Genome position (GRCh38, 1-based): chr1:23,854,355, C>G on the plus strand (G>C on the coding strand, the complement: FUCA1 is on the minus strand). VCF-style: chr1-23854355-C-G. GRCh37 (hg19) VCF-style: chr1-24180845-C-G.
Identifiers: ClinVar variation 772281 (VCV000772281.11), dbSNP rs115939152, ClinGen allele CA686414.

ClinVar aggregate classification (germline): Likely benign. Review status: criteria provided, multiple submitters, no conflicts (2 of 4 stars). 2 submissions from 2 submitters: Likely benign (2). Last evaluated 2026-01-13.

Conditions:
Fucosidosis. Also called: ALPHA-L-FUCOSIDASE DEFICIENCY. Identifiers: Orphanet 349, MedGen C0016788, MONDO:0009254, OMIM 230000.

Allele frequency attached by ClinVar (database versions not stated): gnomAD 0.00092 and 0.00101; gnomAD exomes 0.00021; ExAC 0.00026; 1000 Genomes Project 30x 0.00141; ESP Exome Variant Server 0.00092; TOPMed 0.00111; 1000 Genomes Project 0.00120.

Submissions (2):

Labcorp Genetics (formerly Invitae), Labcorp
Classification: Likely benign for Fucosidosis. Last evaluated: 2026-01-13. Review status: criteria provided, single submitter. Criteria: Invitae Variant Classification Sherloc (09022015). Collection method: clinical testing. Allele origin: germline.

Mayo Clinic Laboratories, Mayo Clinic
Classification: Likely benign. Last evaluated: 2025-01-27. Review status: criteria provided, single submitter. Criteria: ACMG Guidelines, 2015. Collection method: clinical testing. Allele origin: germline. Observed: 1 variant allele.
Comment: BS1, BP4